The following is an entry in ClinVar:

NM_014314.4(RIGI):c.1361A>T (p.Tyr454Phe)

Gene: RIGI (RNA sensor RIG-I; minus strand). Cytogenetic location: 9p21.1.
Variant type: single nucleotide variant.
Coding change: c.1361A>T on transcript NM_014314.4 (MANE Select); coding-DNA position 1361, A replaced by T.
Protein change: p.Tyr454Phe; replaces tyrosine 454 with phenylalanine.
Molecular consequence: missense variant.
Genome position (GRCh38, 1-based): chr9:32,487,485, T>A on the plus strand (A>T on the coding strand, the complement: RIGI is on the minus strand). VCF-style: chr9-32487485-T-A. GRCh37 (hg19) VCF-style: chr9-32487483-T-A.
Other names: c.1355A>T, p.Tyr452Phe (NM_001385907.1); c.1361A>T, p.Tyr454Phe (NM_001385909.1); c.920A>T, p.Tyr307Phe (NM_001385910.1); c.752A>T, p.Tyr251Phe (NM_001385912.1); c.1346A>T, p.Tyr449Phe (NM_001385913.1); c.917A>T, p.Tyr306Phe (NM_001385914.1); c.1361A>T (NM_014314.3); short protein forms Y251F, Y306F, Y307F, Y449F, Y452F, Y454F.
Identifiers: ClinVar variation 3616244 (VCV003616244.3).

ClinVar aggregate classification (germline): Uncertain significance. Review status: criteria provided, multiple submitters, no conflicts (2 of 4 stars). 2 submissions from 2 submitters: Uncertain significance (2). Last evaluated 2025-04-11.

Conditions:
Inborn genetic diseases. Identifiers: MedGen C0950123, MeSH D030342.

gnomAD v4.1: 7 of 1,614,172 alleles (0.00043%); highest among the groups gnomAD compares: Middle Eastern, 0.066%; no homozygotes.

Submissions (2):

Ambry Genetics
Classification: Uncertain significance for Inborn genetic diseases. Last evaluated: 2025-04-11. Review status: criteria provided, single submitter. Criteria: Ambry Variant Classification Scheme 2023. Collection method: clinical testing. Allele origin: germline.

Labcorp Genetics (formerly Invitae), Labcorp
Classification: Uncertain significance. Last evaluated: 2024-06-03. Review status: criteria provided, single submitter. Criteria: Invitae Variant Classification Sherloc (09022015). Collection method: clinical testing. Allele origin: germline.
Comment: This sequence change replaces tyrosine, which is neutral and polar, with phenylalanine, which is neutral and non-polar, at codon 454 of the DDX58 protein (p.Tyr454Phe). This variant is present in population databases (rs751473766, gnomAD 0.006%). This variant has not been reported in the literature in individuals affected with DDX58-related conditions. Advanced modeling of protein sequence and biophysical properties (such as structural, functional, and spatial information, amino acid conservation, physicochemical variation, residue mobility, and thermodynamic stability) performed at Invitae indicates that this missense variant is not expected to disrupt DDX58 protein function with a negative predictive value of 80%. In summary, the available evidence is currently insufficient to determine the role of this variant in disease. Therefore, it has been classified as a Variant of Uncertain Significance.